The following is an entry in ClinVar:

ClinVar aggregate classification (germline): Uncertain significance. Review status: criteria provided, multiple submitters, no conflicts (2 of 4 stars). 2 submissions from 2 submitters: Uncertain significance (2). Last evaluated 2022-06-14.

Submissions (2):

Labcorp Genetics (formerly Invitae), Labcorp
Classification: Uncertain significance. Last evaluated: 2022-06-14. Review status: criteria provided, single submitter. Criteria: Invitae Variant Classification Sherloc (09022015). Collection method: clinical testing. Allele origin: germline.
Comment: This variant, c.1937_1939del, results in the deletion of 1 amino acid(s) of the ATF6 protein (p.Asn646del), but otherwise preserves the integrity of the reading frame. This variant is present in population databases (rs752618190, gnomAD 0.0009%). This variant has not been reported in the literature in individuals affected with ATF6-related conditions. Experimental studies and prediction algorithms are not available or were not evaluated, and the functional significance of this variant is currently unknown. In summary, the available evidence is currently insufficient to determine the role of this variant in disease. Therefore, it has been classified as a Variant of Uncertain Significance.

Blueprint Genetics
Classification: Uncertain significance. Last evaluated: 2021-04-20. Review status: criteria provided, single submitter. Criteria: ACMG Guidelines, 2015. Collection method: clinical testing. Allele origin: germline.

NM_007348.4(ATF6):c.1937_1939del (p.Asn646del)

Gene: ATF6 (activating transcription factor 6; plus strand). Cytogenetic location: 1q23.3.
Variant type: Deletion.
Coding change: c.1937_1939del on transcript NM_007348.4 (MANE Select); coding-DNA positions 1937 to 1939, 3 bases deleted (ACA; older notation c.1937_1939delACA).
Protein change: p.Asn646del; deletes asparagine 646.
Molecular consequence: inframe deletion. On other transcripts: inframe indel (1).
Genome position (GRCh38, 1-based): chr1:161,958,578-161,958,580, ACA deleted; deleting any 3 consecutive bases within chr1:161,958,576-161,958,580 gives the same sequence; the c. name uses the placement nearest the transcript's 3' end. VCF-style (leftmost placement, unchanged base first): chr1-161958575-CCAA-C. GRCh37 (hg19) VCF-style: chr1-161928365-CCAA-C.
Other names: c.1934_1936delACA, p.Asn645del (NM_001410890.1); short protein forms N645del, N646del.
Identifiers: ClinVar variation 1902103 (VCV001902103.3), dbSNP rs752618190, ClinGen allele CA1214636.